The following is an entry in ClinVar:

NM_000268.4(NF2):c.1034T>G (p.Met345Arg)

Gene: NF2 (NF2, moesin-ezrin-radixin like (MERLIN) tumor suppressor; plus strand). Cytogenetic location: 22q12.2.
Variant type: single nucleotide variant.
Coding change: c.1034T>G on transcript NM_000268.4 (MANE Select); coding-DNA position 1034, T replaced by G.
Protein change: p.Met345Arg; replaces methionine 345 with arginine.
Molecular consequence: missense variant. On other transcripts: intron variant (1).
Genome position (GRCh38, 1-based): chr22:29,671,860, T>G. VCF-style: chr22-29671860-T-G. GRCh37 (hg19) VCF-style: chr22-30067849-T-G.
Other names: c.920T>G, p.Met307Arg (NM_001407053.1, NM_001407056.1); c.911T>G, p.Met304Arg (NM_001407054.1, NM_001407058.1, NM_181829.3); c.908T>G, p.Met303Arg (NM_001407055.1, NM_181828.3); c.899T>G, p.Met300Arg (NM_001407057.1, NM_001407059.1); c.1034T>G, p.Met345Arg (NM_001407060.1, NM_001407066.1, NM_016418.5 and 2 more transcripts); c.776T>G, p.Met259Arg (NM_001407062.1); c.785T>G, p.Met262Arg (NM_001407063.1, NM_001407064.1, NM_181830.3 and 1 more transcripts); c.500T>G, p.Met167Arg (NM_001407065.1); and 2 more; short protein forms M259R, M304R, M262R, M268R, M303R, M167R, M300R, M307R.
Identifiers: ClinVar variation 2453832 (VCV002453832.2), dbSNP rs2147072044, ClinGen allele CA411146831.

ClinVar aggregate classification (germline): Uncertain significance (1 of 4 stars; one submission).

Conditions:
Hereditary cancer-predisposing syndrome. Also called: Neoplastic Syndromes, Hereditary; Hereditary neoplastic syndrome; Tumor predisposition; Hereditary Cancer Syndrome. Identifiers: Orphanet 140162, MedGen C0027672, MeSH D009386, MONDO:0015356.

Submission:

Ambry Genetics
Classification: Uncertain significance for Hereditary cancer-predisposing syndrome. Last evaluated: 2023-01-05. Review status: criteria provided, single submitter. Criteria: Ambry Variant Classification Scheme 2023. Collection method: clinical testing. Allele origin: germline.
Comment: The p.M345R variant (also known as c.1034T>G), located in coding exon 11 of the NF2 gene, results from a T to G substitution at nucleotide position 1034. The methionine at codon 345 is replaced by arginine, an amino acid with similar properties. This amino acid position is conserved. In addition, the in silico prediction for this alteration is inconclusive. Since supporting evidence is limited at this time, the clinical significance of this alteration remains unclear.